The following is an entry in ClinVar:

ClinVar aggregate classification (germline): Likely benign (1 of 4 stars; one submission).

Submission:

CeGaT Center for Human Genetics Tuebingen
Classification: Likely benign. Last evaluated: 2024-09-01. Review status: criteria provided, single submitter. Criteria: CeGaT Center For Human Genetics Tuebingen Variant Classification Criteria Version 2. Collection method: clinical testing. Allele origin: germline. Affected: yes. Observed: 1 variant allele.
Comment: IRF2BPL: BP4, BP7

NM_024496.4(IRF2BPL):c.2001G>C (p.Pro667=)

Gene: IRF2BPL (interferon regulatory factor 2 binding protein like; minus strand). Cytogenetic location: 14q24.3.
Variant type: single nucleotide variant.
Coding change: c.2001G>C on transcript NM_024496.4 (MANE Select); coding-DNA position 2001, G replaced by C.
Protein change: p.Pro667=; no amino-acid change (proline 667 retained).
Molecular consequence: synonymous variant.
Genome position (GRCh38, 1-based): chr14:77,025,792, C>G on the plus strand (G>C on the coding strand, the complement: IRF2BPL is on the minus strand). VCF-style: chr14-77025792-C-G. GRCh37 (hg19) VCF-style: chr14-77492135-C-G.
Identifiers: ClinVar variation 3389245 (VCV003389245.14).